The following is an entry in ClinVar:

NM_000243.3(MEFV):c.1356+44A>G

Gene: MEFV (MEFV innate immunity regulator, pyrin; minus strand). Cytogenetic location: 16p13.3.
Variant type: single nucleotide variant.
Coding change: c.1356+44A>G on transcript NM_000243.3 (MANE Select); 44 bases into the intron after coding-DNA position 1356, A replaced by G.
Molecular consequence: intron variant.
Genome position (GRCh38, 1-based): chr16:3,248,865, T>C on the plus strand (A>G on the coding strand, the complement: MEFV is on the minus strand). VCF-style: chr16-3248865-T-C. GRCh37 (hg19) VCF-style: chr16-3298865-T-C.
Other names: c.723+44A>G (NM_001198536.2).
Identifiers: ClinVar variation 993989 (VCV000993989.15), dbSNP rs224212, ClinGen allele CA7860164.

ClinVar aggregate classification (germline): Benign. Review status: criteria provided, multiple submitters, no conflicts (2 of 4 stars). 6 submissions from 5 submitters: Benign (6). Last evaluated 2023-11-12.

Conditions:
Familial Mediterranean fever (FMF). Also called: POLYSEROSITIS, FAMILIAL PAROXYSMAL; POLYSEROSITIS, RECURRENT; Periodic peritonitis; Benign paroxysmal peritonitis. Identifiers: Orphanet 342, MedGen C0031069, MONDO:0018088, OMIM 249100. Disease mechanism: gain of function.
Familial Mediterranean fever, autosomal dominant. Also called: Dominant Familial Mediterranean Fever; FMF, AUTOSOMAL DOMINANT. Identifiers: Orphanet 342, MedGen C1851347, MONDO:0007601, OMIM 134610.

Allele frequency attached by ClinVar (database versions not stated): ESP Exome Variant Server 0.58381; 1000 Genomes Project 30x 0.66615; gnomAD 0.59650 and 0.60107; gnomAD exomes 0.56590 and 0.61002; ExAC 0.60871; 1000 Genomes Project 0.66114; TOPMed 0.60883.
gnomAD v4.1: 917,626 of 1,611,678 alleles (57%); highest among the groups gnomAD compares: South Asian, 72%; 264,783 homozygotes.

Submissions (6):

Unidad de Genómica Garrahan, Hospital de Pediatría Garrahan
Classification: Benign. Last evaluated: 2023-11-12. Review status: criteria provided, single submitter. Criteria: ACMG Guidelines, 2015. Collection method: clinical testing. Allele origin: germline. Affected: no. Observed: 79 variant alleles.
Comment: This variant is classified as Benign based on local population frequency. This variant was detected in 82% of patients studied by a panel of primary immunodeficiencies. Number of patients: 79. Only high quality variants are reported.

Genome-Nilou Lab
Classification: Benign for Familial Mediterranean fever, autosomal dominant. Last evaluated: 2021-07-01. Review status: criteria provided, single submitter. Criteria: ACMG Guidelines, 2015. Collection method: clinical testing. Allele origin: germline. Affected: no.

Genome-Nilou Lab
Classification: Benign for Familial Mediterranean fever. Last evaluated: 2021-07-01. Review status: criteria provided, single submitter. Criteria: ACMG Guidelines, 2015. Collection method: clinical testing. Allele origin: germline. Affected: no.

ARUP Laboratories, Molecular Genetics and Genomics, ARUP Laboratories
Classification: Benign. Last evaluated: 2020-02-23. Review status: criteria provided, single submitter. Criteria: ARUP Molecular Germline Variant Investigation Process. Collection method: clinical testing. Allele origin: germline.

GeneDx
Classification: Benign. Last evaluated: 2015-03-03. Review status: criteria provided, single submitter. Criteria: GeneDx Variant Classification Process June 2021. Collection method: clinical testing. Allele origin: germline. Affected: yes.

Breakthrough Genomics
Classification: Benign. Review status: criteria provided, single submitter. Criteria: ACMG Guidelines, 2015. Collection method: not provided. Allele origin: germline. Inheritance: Autosomal recessive inheritance. Affected: yes.